The following is an entry in ClinVar:

ClinVar aggregate classification (germline): Conflicting classifications of pathogenicity. Review status: criteria provided, conflicting classifications (1 of 4 stars). 2 submissions from 2 submitters: Uncertain significance (1); Likely benign (1). Last evaluated 2025-06-12.

Conditions:
Inborn genetic diseases. Identifiers: MedGen C0950123, MeSH D030342.

Allele frequency attached by ClinVar (database versions not stated): gnomAD exomes 0.00001; ExAC 0.00002; gnomAD 0.00007; TOPMed 0.00010; ESP Exome Variant Server 0.00015.
gnomAD v4.1: 28 of 1,613,674 alleles (0.0017%); highest among the groups gnomAD compares: African/African-American, 0.029%; no homozygotes.

Submissions (2):

Labcorp Genetics (formerly Invitae), Labcorp
Classification: Uncertain significance. Last evaluated: 2025-06-12. Review status: criteria provided, single submitter. Criteria: Invitae Variant Classification Sherloc (09022015). Collection method: clinical testing. Allele origin: germline.
Comment: This sequence change replaces glycine, which is neutral and non-polar, with serine, which is neutral and polar, at codon 445 of the GSN protein (p.Gly445Ser). This variant is present in population databases (rs376488491, gnomAD 0.04%). This variant has not been reported in the literature in individuals affected with GSN-related conditions. ClinVar contains an entry for this variant (Variation ID: 1770197). Invitae Evidence Modeling of protein sequence and biophysical properties (such as structural, functional, and spatial information, amino acid conservation, physicochemical variation, residue mobility, and thermodynamic stability) indicates that this missense variant is expected to disrupt GSN protein function with a positive predictive value of 80%. In summary, the available evidence is currently insufficient to determine the role of this variant in disease. Therefore, it has been classified as a Variant of Uncertain Significance.

Ambry Genetics
Classification: Likely benign for Inborn genetic diseases. Last evaluated: 2023-09-14. Review status: criteria provided, single submitter. Criteria: Ambry Variant Classification Scheme 2023. Collection method: clinical testing. Allele origin: germline.

NM_198252.3(GSN):c.1180G>A (p.Gly394Ser)

Gene: GSN (gelsolin; plus strand). Cytogenetic location: 9q33.2.
Variant type: single nucleotide variant.
Coding change: c.1180G>A on transcript NM_198252.3 (MANE Select); coding-DNA position 1180, G replaced by A.
Protein change: p.Gly394Ser; replaces glycine 394 with serine.
Molecular consequence: missense variant.
Genome position (GRCh38, 1-based): chr9:121,318,869, G>A. VCF-style: chr9-121318869-G-A. GRCh37 (hg19) VCF-style: chr9-124081147-G-A.
Other names: c.1333G>A, p.Gly445Ser (NM_000177.5); c.1180G>A, p.Gly394Ser (NM_001127662.2, NM_001127664.2, NM_001127665.2 and 10 more transcripts); c.1288G>A, p.Gly430Ser (NM_001127663.2); c.1213G>A, p.Gly405Ser (NM_001127666.2, NM_001127667.2, NM_001353063.2 and 13 more transcripts); c.1231G>A, p.Gly411Ser (NM_001258029.2); c.1204G>A, p.Gly402Ser (NM_001258030.2); c.1252G>A, p.Gly418Ser (NM_001353076.2); c.526G>A, p.Gly176Ser (NM_001353078.2); short protein forms G405S, G402S, G445S, G176S, G394S, G411S, G418S, G430S.
Identifiers: ClinVar variation 1770197 (VCV001770197.8), dbSNP rs376488491, ClinGen allele CA5221160.